The following is an entry in ClinVar:

NM_000548.5(TSC2):c.2664G>C (p.Leu888=)

Gene: TSC2 (TSC complex subunit 2; plus strand). Cytogenetic location: 16p13.3.
Variant type: single nucleotide variant.
Coding change: c.2664G>C on transcript NM_000548.5 (MANE Select); coding-DNA position 2664, G replaced by C.
Protein change: p.Leu888=; no amino-acid change (leucine 888 retained).
Molecular consequence: synonymous variant. On other transcripts: non-coding transcript variant (5).
Genome position (GRCh38, 1-based): chr16:2,076,092, G>C. VCF-style: chr16-2076092-G-C. GRCh37 (hg19) VCF-style: chr16-2126093-G-C.
Other names: c.2664G>C, p.Leu888= (NM_001077183.3, NM_001114382.3, NM_001363528.2 and 6 more transcripts); c.2553G>C, p.Leu851= (NM_001318827.2, NM_001406670.1, NM_001406678.1); c.2517G>C, p.Leu839= (NM_001318829.2, NM_001406675.1, NM_001406676.1 and 1 more transcripts); c.2064G>C, p.Leu688= (NM_001318831.2, NM_001406680.1, NM_001406682.1 and 6 more transcripts); c.2697G>C, p.Leu899= (NM_001318832.2); c.2754G>C, p.Leu918= (NM_001406667.1, NM_001406668.1); c.2652G>C, p.Leu884= (NM_001406671.1, NM_001406673.1); c.2607G>C, p.Leu869= (NM_001406677.1); and 3 more.
Identifiers: ClinVar variation 3462583 (VCV003462583.3).

ClinVar aggregate classification (germline): Conflicting classifications of pathogenicity. Review status: criteria provided, conflicting classifications (1 of 4 stars). 2 submissions from 2 submitters: Uncertain significance (1); Likely benign (1). Last evaluated 2025-05-09.

Conditions:
Tuberous sclerosis 2 (TSC2). Identifiers: Orphanet 805, MedGen C1860707, MONDO:0013199, OMIM 613254.
Hereditary cancer-predisposing syndrome. Also called: Hereditary Cancer Syndrome; Hereditary neoplastic syndrome; Neoplastic Syndromes, Hereditary; Tumor predisposition. Identifiers: Orphanet 140162, MedGen C0027672, MeSH D009386, MONDO:0015356.

gnomAD v4.1: 3 of 1,613,978 alleles (0.00019%); highest among the groups gnomAD compares: Non-Finnish European, 0.00025%; no homozygotes.

Submissions (2):

Labcorp Genetics (formerly Invitae), Labcorp
Classification: Likely benign for Tuberous sclerosis 2. Last evaluated: 2025-05-09. Review status: criteria provided, single submitter. Criteria: Invitae Variant Classification Sherloc (09022015). Collection method: clinical testing. Allele origin: germline.

Ambry Genetics
Classification: Uncertain significance for Hereditary cancer-predisposing syndrome. Last evaluated: 2024-07-26. Review status: criteria provided, single submitter. Criteria: Ambry Variant Classification Scheme 2023. Collection method: clinical testing. Allele origin: germline.
Comment: The c.2664G>C variant (also known as p.L888L), located in coding exon 23 of the TSC2 gene, results from a G to C substitution at nucleotide position 2664. This nucleotide substitution does not change the leucine at codon 888. This nucleotide position is highly conserved in available vertebrate species. In silico splice site analysis for this alteration is inconclusive. Based on the available evidence, the clinical significance of this variant remains unclear.